The following is an entry in ClinVar:

ClinVar aggregate classification (germline): Uncertain significance. Review status: criteria provided, multiple submitters, no conflicts (2 of 4 stars). 2 submissions from 2 submitters: Uncertain significance (2). Last evaluated 2025-08-15.

Conditions:
Oto-palato-digital syndrome, type II (OPD2). Also called: Otopalatodigital Syndrome Type 2 (FLNA-OPD2); FACIOPALATOOSSEOUS SYNDROME; OPD II SYNDROME; Otopalatodigital Syndrome, Type II. Identifiers: Orphanet 669, Orphanet 90652, MedGen C1844696, MONDO:0010571, OMIM 304120.
Heterotopia, periventricular, X-linked dominant (PVNH1). Also called: PERIVENTRICULAR NODULAR HETEROTOPIA 1; X-linked periventricular heterotopia; PERIVENTRICULAR NODULAR HETEROTOPIA 4; HETEROTOPIA, PERIVENTRICULAR, 1. Identifiers: Orphanet 2149, Orphanet 82004, MedGen C1848213, MONDO:0010233, OMIM 300049.
Frontometaphyseal dysplasia (FMD1). Identifiers: Orphanet 1826, MedGen C0265293, MONDO:0015942.
Melnick-Needles syndrome (MNS). Also called: Melnick-Needles Syndrome (FLNA-MNS); MELNICK-NEEDLES OSTEODYSPLASTY; OSTEODYSPLASTY OF MELNICK AND NEEDLES. Identifiers: Orphanet 2484, MedGen C0025237, MONDO:0010650, OMIM 309350.

Submissions (2):

Labcorp Genetics (formerly Invitae), Labcorp
Classification: Uncertain significance for Oto-palato-digital syndrome, type II; Heterotopia, periventricular, X-linked dominant; Frontometaphyseal dysplasia; Melnick-Needles syndrome. Last evaluated: 2025-08-15. Review status: criteria provided, single submitter. Criteria: Invitae Variant Classification Sherloc (09022015). Collection method: clinical testing. Allele origin: germline.
Comment: This sequence change replaces isoleucine, which is neutral and non-polar, with threonine, which is neutral and polar, at codon 2061 of the FLNA protein (p.Ile2061Thr). This variant is not present in population databases (gnomAD no frequency). This variant has not been reported in the literature in individuals affected with FLNA-related conditions. ClinVar contains an entry for this variant (Variation ID: 3774786). Invitae Evidence Modeling of protein sequence and biophysical properties (such as structural, functional, and spatial information, amino acid conservation, physicochemical variation, residue mobility, and thermodynamic stability) indicates that this missense variant is not expected to disrupt FLNA protein function with a negative predictive value of 95%. In summary, the available evidence is currently insufficient to determine the role of this variant in disease. Therefore, it has been classified as a Variant of Uncertain Significance.

GeneDx
Classification: Uncertain significance. Last evaluated: 2024-09-27. Review status: criteria provided, single submitter. Criteria: GeneDx Variant Classification Process June 2021. Collection method: clinical testing. Allele origin: germline. Affected: yes.
Comment: Not observed at significant frequency in large population cohorts (gnomAD); In silico analysis supports that this missense variant has a deleterious effect on protein structure/function; Has not been previously published as pathogenic or benign to our knowledge

NM_001110556.2(FLNA):c.6206T>C (p.Ile2069Thr)

Gene: FLNA (filamin A; minus strand). Cytogenetic location: Xq28.
Variant type: single nucleotide variant.
Coding change: c.6206T>C on transcript NM_001110556.2 (MANE Select); coding-DNA position 6206, T replaced by C.
Protein change: p.Ile2069Thr; replaces isoleucine 2069 with threonine.
Molecular consequence: missense variant.
Genome position (GRCh38, 1-based): chrX:154,353,021, A>G on the plus strand (T>C on the coding strand, the complement: FLNA is on the minus strand). VCF-style: chrX-154353021-A-G. GRCh37 (hg19) VCF-style: chrX-153581389-A-G.
Other names: c.6182T>C, p.Ile2061Thr (NM_001456.4); short protein forms I2061T, I2069T.
Identifiers: ClinVar variation 3774786 (VCV003774786.2).